The following is an entry in ClinVar:

NM_173648.4(CCDC141):c.4068T>C (p.Thr1356=)

Gene: CCDC141 (coiled-coil domain containing 141; minus strand). Cytogenetic location: 2q31.2.
Variant type: single nucleotide variant.
Coding change: c.4068T>C on transcript NM_173648.4 (MANE Select); coding-DNA position 4068, T replaced by C.
Protein change: p.Thr1356=; no amino-acid change (threonine 1356 retained).
Molecular consequence: synonymous variant.
Genome position (GRCh38, 1-based): chr2:178,837,151, A>G on the plus strand (T>C on the coding strand, the complement: CCDC141 is on the minus strand). VCF-style: chr2-178837151-A-G. GRCh37 (hg19) VCF-style: chr2-179701878-A-G.
Identifiers: ClinVar variation 4980423 (VCV004980423.1).
Genomic context (GRCh38, chr2:178,837,151, plus strand): 5'-TGATTGAAACCTGAGGCCCGAGAATGCATCAGAGGAAGCATGCAGCCTATCTTGGGTTTT[A>G]GTGAAGTTATTATCAGCATGCATTTTCTCCCGTGTTTCTAGCAAACCACCCTGAGCCTGA-3'
Protein context (NP_775919.3, residues 1346-1366): REKMHADNNF[Thr1356=]KTQDRLHASS

ClinVar aggregate classification (germline): Likely benign (1 of 4 stars; one submission).

Conditions:
CCDC141-related disorder. Also called: CCDC141-related condition.

gnomAD v4.1: 152 of 1,613,798 alleles (0.0094%); highest among the groups gnomAD compares: Non-Finnish European, 0.012%; no homozygotes.

Submission:

PreventionGenetics, part of Exact Sciences
Classification: Likely benign for CCDC141-related condition. Last evaluated: 2025-07-09. Review status: criteria provided, single submitter. Criteria: ACMG Guidelines, 2015. Collection method: clinical testing. Allele origin: germline.
Comment: This variant is classified as likely benign based on ACMG/AMP sequence variant interpretation guidelines (Richards et al. 2015 PMID: 25741868, with internal and published modifications).